The following is an entry in ClinVar:

NM_000372.5(TYR):c.106T>C (p.Cys36Arg)

Gene: TYR (tyrosinase; plus strand). Cytogenetic location: 11q14.3.
Variant type: single nucleotide variant.
Coding change: c.106T>C on transcript NM_000372.5 (MANE Select); coding-DNA position 106, T replaced by C.
Protein change: p.Cys36Arg; replaces cysteine 36 with arginine.
Molecular consequence: missense variant.
Genome position (GRCh38, 1-based): chr11:89,178,059, T>C. VCF-style: chr11-89178059-T-C. GRCh37 (hg19) VCF-style: chr11-88911227-T-C.
Other names: short protein forms C36R.
Identifiers: ClinVar variation 4709827 (VCV004709827.1).

ClinVar aggregate classification (germline): Likely pathogenic (1 of 4 stars; one submission).

Submission:

Labcorp Genetics (formerly Invitae), Labcorp
Classification: Likely pathogenic. Last evaluated: 2025-02-13. Review status: criteria provided, single submitter. Criteria: Invitae Variant Classification Sherloc (09022015). Collection method: clinical testing. Allele origin: germline.
Comment: This sequence change replaces cysteine, which is neutral and slightly polar, with arginine, which is basic and polar, at codon 36 of the TYR protein (p.Cys36Arg). This variant is not present in population databases (gnomAD no frequency). This variant has not been reported in the literature in individuals affected with TYR-related conditions. Invitae Evidence Modeling of protein sequence and biophysical properties (such as structural, functional, and spatial information, amino acid conservation, physicochemical variation, residue mobility, and thermodynamic stability) indicates that this missense variant is expected to disrupt TYR protein function with a positive predictive value of 95%. This variant disrupts the p.Cys36 amino acid residue in TYR. Other variant(s) that disrupt this residue have been determined to be pathogenic (PMID: 27734839, 29345414). This suggests that this residue is clinically significant, and that variants that disrupt this residue are likely to be disease-causing. In summary, the currently available evidence indicates that the variant is pathogenic, but additional data are needed to prove that conclusively. Therefore, this variant has been classified as Likely Pathogenic.

Literature cited by the submitters: PubMed 27734839; PubMed 29345414.